The following is an entry in ClinVar:

ClinVar aggregate classification (germline): Uncertain significance (1 of 4 stars; one submission).

Conditions:
RYR1-related disorder. Also called: RYR1-related condition; RYR1-related disorders. Identifiers: MedGen CN239331.

Allele frequency attached by ClinVar (database versions not stated): gnomAD exomes below 0.00001.
gnomAD v4.1: 1 of 1,614,216 alleles (0.000062%); no homozygotes.

Submission:

Labcorp Genetics (formerly Invitae), Labcorp
Classification: Uncertain significance for RYR1-related disorder. Last evaluated: 2022-06-25. Review status: criteria provided, single submitter. Criteria: Invitae Variant Classification Sherloc (09022015). Collection method: clinical testing. Allele origin: germline.
Comment: In summary, the available evidence is currently insufficient to determine the role of this variant in disease. Therefore, it has been classified as a Variant of Uncertain Significance. Algorithms developed to predict the effect of missense changes on protein structure and function are either unavailable or do not agree on the potential impact of this missense change (SIFT: "Deleterious"; PolyPhen-2: "Probably Damaging"; Align-GVGD: "Class C0"). This variant has not been reported in the literature in individuals affected with RYR1-related conditions. This variant is not present in population databases (gnomAD no frequency). This sequence change replaces cysteine, which is neutral and slightly polar, with arginine, which is basic and polar, at codon 810 of the RYR1 protein (p.Cys810Arg).

NM_000540.3(RYR1):c.2428T>C (p.Cys810Arg)

Gene: RYR1 (ryanodine receptor 1; plus strand). Cytogenetic location: 19q13.2.
Variant type: single nucleotide variant.
Coding change: c.2428T>C on transcript NM_000540.3 (MANE Select); coding-DNA position 2428, T replaced by C.
Protein change: p.Cys810Arg; replaces cysteine 810 with arginine.
Molecular consequence: missense variant.
Genome position (GRCh38, 1-based): chr19:38,460,442, T>C. VCF-style: chr19-38460442-T-C. GRCh37 (hg19) VCF-style: chr19-38951082-T-C.
Other names: c.2428T>C, p.Cys810Arg (NM_001042723.2); short protein forms C810R.
Identifiers: ClinVar variation 2010596 (VCV002010596.4), dbSNP rs2514054759, ClinGen allele CA405628939.